The following is an entry in ClinVar:

NM_003705.5(SLC25A12):c.1738A>G (p.Thr580Ala)

Gene: SLC25A12 (solute carrier family 25 member 12; minus strand). Cytogenetic location: 2q31.1.
Variant type: single nucleotide variant.
Coding change: c.1738A>G on transcript NM_003705.5 (MANE Select); coding-DNA position 1738, A replaced by G.
Protein change: p.Thr580Ala; replaces threonine 580 with alanine.
Molecular consequence: missense variant. On other transcripts: non-coding transcript variant (1).
Genome position (GRCh38, 1-based): chr2:171,787,795, T>C on the plus strand (A>G on the coding strand, the complement: SLC25A12 is on the minus strand). VCF-style: chr2-171787795-T-C. GRCh37 (hg19) VCF-style: chr2-172644305-T-C.
Other names: short protein forms T580A.
Identifiers: ClinVar variation 1035691 (VCV001035691.7), dbSNP rs748887957, ClinGen allele CA1966046.

ClinVar aggregate classification (germline): Uncertain significance (1 of 4 stars; one submission).

Allele frequency attached by ClinVar (database versions not stated): gnomAD 0.00001; gnomAD exomes 0.00001 and 0.00002; TOPMed 0.00001; ExAC 0.00002.
gnomAD v4.1: 12 of 1,614,086 alleles (0.00074%); highest among the groups gnomAD compares: African/African-American, 0.016%; no homozygotes.

Submission:

Labcorp Genetics (formerly Invitae), Labcorp
Classification: Uncertain significance. Last evaluated: 2024-02-17. Review status: criteria provided, single submitter. Criteria: Invitae Variant Classification Sherloc (09022015). Collection method: clinical testing. Allele origin: germline.
Comment: This sequence change replaces threonine, which is neutral and polar, with alanine, which is neutral and non-polar, at codon 580 of the SLC25A12 protein (p.Thr580Ala). This variant is present in population databases (rs748887957, gnomAD 0.02%). This variant has not been reported in the literature in individuals affected with SLC25A12-related conditions. ClinVar contains an entry for this variant (Variation ID: 1035691). Algorithms developed to predict the effect of missense changes on protein structure and function output the following: SIFT: "Not Available"; PolyPhen-2: "Benign"; Align-GVGD: "Not Available". The alanine amino acid residue is found in multiple mammalian species, which suggests that this missense change does not adversely affect protein function. In summary, the available evidence is currently insufficient to determine the role of this variant in disease. Therefore, it has been classified as a Variant of Uncertain Significance.